The following is an entry in ClinVar:

ClinVar aggregate classification (germline): Uncertain significance (1 of 4 stars; one submission).

Allele frequency attached by ClinVar (database versions not stated): gnomAD exomes below 0.00001; ExAC 0.00001.
gnomAD v4.1: 1 of 1,614,116 alleles (0.000062%); highest among the groups gnomAD compares: Admixed American, 0.0017%; no homozygotes.

Submission:

GeneDx
Classification: Uncertain significance. Last evaluated: 2022-02-02. Review status: criteria provided, single submitter. Criteria: GeneDx Variant Classification Process June 2021. Collection method: clinical testing. Allele origin: germline. Affected: yes.
Comment: Not observed at significant frequency in large population cohorts (gnomAD); In silico analysis supports that this missense variant does not alter protein structure/function; Has not been previously published as pathogenic or benign to our knowledge

NM_001128225.3(SLC39A13):c.542C>A (p.Pro181His)

Gene: SLC39A13 (solute carrier family 39 member 13; plus strand). Cytogenetic location: 11p11.2.
Variant type: single nucleotide variant.
Coding change: c.542C>A on transcript NM_001128225.3 (MANE Select); coding-DNA position 542, C replaced by A.
Protein change: p.Pro181His; replaces proline 181 with histidine.
Molecular consequence: missense variant. On other transcripts: non-coding transcript variant (1).
Genome position (GRCh38, 1-based): chr11:47,413,404, C>A. VCF-style: chr11-47413404-C-A. GRCh37 (hg19) VCF-style: chr11-47434955-C-A.
Other names: c.542C>A, p.Pro181His (NM_001330245.2, NM_152264.5); short protein forms P181H.
Identifiers: ClinVar variation 1339613 (VCV001339613.2), dbSNP rs776239751, ClinGen allele CA5975820.